The following is an entry in ClinVar:

ClinVar aggregate classification (germline): Likely pathogenic (1 of 4 stars; one submission).

Allele frequency attached by ClinVar (database versions not stated): ExAC 0.00001; gnomAD exomes below 0.00001; TOPMed 0.00001.

Submission:

Labcorp Genetics (formerly Invitae), Labcorp
Classification: Likely pathogenic. Last evaluated: 2026-01-15. Review status: criteria provided, single submitter. Criteria: Invitae Variant Classification Sherloc (09022015). Collection method: clinical testing. Allele origin: germline.
Comment: This sequence change affects a donor splice site in intron 2 of the CFI gene. It is expected to disrupt RNA splicing. Variants that disrupt the donor or acceptor splice site typically lead to a loss of protein function (PMID: 16199547), and loss-of-function variants in CFI are known to be pathogenic (PMID: 15917334, 16621965, 19065647, 20016463, 22710145). This variant is present in population databases (rs781627334, gnomAD 0.003%). This variant has not been reported in the literature in individuals affected with CFI-related conditions. ClinVar contains an entry for this variant (Variation ID: 1068291). Algorithms developed to predict the effect of sequence changes on RNA splicing suggest that this variant may disrupt the consensus splice site. In summary, the currently available evidence indicates that the variant is pathogenic, but additional data are needed to prove that conclusively. Therefore, this variant has been classified as Likely Pathogenic.

Literature cited by the submitters: PubMed 16199547; PubMed 15917334; PubMed 16621965; PubMed 19065647; PubMed 20016463; PubMed 22710145.

NM_000204.5(CFI):c.328+1G>A

Gene: CFI (complement factor I; minus strand). Cytogenetic location: 4q25.
Variant type: single nucleotide variant.
Coding change: c.328+1G>A on transcript NM_000204.5 (MANE Select); the canonical splice donor site of the intron after coding-DNA position 328, G replaced by A.
Molecular consequence: splice donor variant. On other transcripts: intron variant (1).
Genome position (GRCh38, 1-based): chr4:109,766,553, C>T on the plus strand (G>A on the coding strand, the complement: CFI is on the minus strand). VCF-style: chr4-109766553-C-T. GRCh37 (hg19) VCF-style: chr4-110687709-C-T.
Other names: c.328+1G>A (NM_001375282.1, NM_001375280.1, NM_001375281.1 and 5 more transcripts); c.-127-4861G>A (NM_001375284.1).
Identifiers: ClinVar variation 1068291 (VCV001068291.5), dbSNP rs781627334, ClinGen allele CA3042313.
Genomic context (GRCh38, chr4:109,766,553, plus strand): 5'-AGTATGGCATACAAATACCCTTTTATATCATAGAATGACTTGAAAACTAGTCTCTTGCTA[C>T]CTTCGGCTGTGCATGTTCCGTTATTTAAAAACTTTGTCCCTGGATGAAGACATTCCAAAC-3'